The following is an entry in ClinVar:

NM_182961.4(SYNE1):c.*11T>A

Genes: ESR1 (estrogen receptor 1; plus strand), SYNE1 (spectrin repeat containing nuclear envelope protein 1; minus strand). Cytogenetic location: 6q25.2.
Variant type: single nucleotide variant.
Coding change: c.*11T>A on transcript NM_182961.4 (MANE Select); 11 bases downstream of the stop codon, T replaced by A.
Molecular consequence: 3 prime UTR variant. On other transcripts: intron variant (1).
Genome position (GRCh38, 1-based): chr6:152,122,425, A>T on the plus strand (T>A on the coding strand, the complement: SYNE1 is on the minus strand). VCF-style: chr6-152122425-A-T. GRCh37 (hg19) VCF-style: chr6-152443560-A-T.
Other names: c.*216T>A (NM_001347701.2); c.*11T>A (NM_001347702.2, NM_033071.5); c.851-2841A>T (NM_001328100.2).
Identifiers: ClinVar variation 4849062 (VCV004849062.1).
Genomic context (GRCh38, chr6:152,122,425, plus strand): 5'-GTAGTTTGGGATTGCTTATGACCCGATCCTCCTTATGCTACCAGCACTTCTGCAGATGGC[A>T]TCTGCTTAGTTCAGAGTGGAGGAGGGCCATTCGTGTATCTGAGCATGGGGTGGAATGACC-3'

ClinVar aggregate classification (germline): Uncertain significance (1 of 4 stars; one submission).

gnomAD v4.1: 17 of 1,613,982 alleles (0.0011%); highest among the groups gnomAD compares: South Asian, 0.018%; no homozygotes.

Submission:

Women's Health and Genetics/Laboratory Corporation of America, LabCorp
Classification: Uncertain significance. Last evaluated: 2026-04-27. Review status: criteria provided, single submitter. Criteria: LabCorp Variant Classification Summary - May 2015. Collection method: clinical testing. Allele origin: germline.
Comment: Variant summary: SYNE1 c.*11T>A is located in the untranslated mRNA region downstream of the termination codon. The variant allele was found at a frequency of 2.4e-05 in 248382 control chromosomes. The available data on variant occurrences in the general population are insufficient to allow any conclusion about variant significance. To our knowledge, no occurrence of c.*11T>A in individuals affected with SYNE1-related conditions and no experimental evidence demonstrating its impact on protein function have been reported. No submitters have cited clinical-significance assessments for this variant to ClinVar. Based on the evidence outlined above, the variant was classified as uncertain significance.